The following is an entry in ClinVar:

ClinVar aggregate classification (germline): Uncertain significance. Review status: criteria provided, multiple submitters, no conflicts (2 of 4 stars). 5 submissions from 5 submitters: Uncertain significance (5). Last evaluated 2026-04-01.

Conditions:
RECQL4-related disorder. Also called: RECQL4-related disorders; RECQL4-related condition.
Baller-Gerold syndrome (BGS). Also called: CRANIOSYNOSTOSIS WITH RADIAL DEFECTS. Identifiers: Orphanet 1225, MedGen C0265308, MONDO:0009039, OMIM 218600.
Inborn genetic diseases. Identifiers: MedGen C0950123, MeSH D030342.

Allele frequency attached by ClinVar (database versions not stated): gnomAD exomes 0.00001 and 0.00006; ExAC 0.00005; gnomAD 0.00010; 1000 Genomes Project 30x 0.00016; TOPMed 0.00017; 1000 Genomes Project 0.00020.

Submissions (5):

CeGaT Center for Human Genetics Tuebingen
Classification: Uncertain significance. Last evaluated: 2026-04-01. Review status: criteria provided, single submitter. Criteria: CeGaT Center For Human Genetics Tuebingen Variant Classification Criteria Version 2. Collection method: clinical testing. Allele origin: germline. Affected: yes. Observed: 1 variant allele.
Comment: RECQL4: PM2, BP4

Labcorp Genetics (formerly Invitae), Labcorp
Classification: Uncertain significance for Baller-Gerold syndrome. Last evaluated: 2026-01-19. Review status: criteria provided, single submitter. Criteria: Invitae Variant Classification Sherloc (09022015). Collection method: clinical testing. Allele origin: germline.
Comment: This sequence change replaces proline, which is neutral and non-polar, with leucine, which is neutral and non-polar, at codon 127 of the RECQL4 protein (p.Pro127Leu). This variant is present in population databases (rs550470182, gnomAD 0.04%). This variant has not been reported in the literature in individuals affected with RECQL4-related conditions. ClinVar contains an entry for this variant (Variation ID: 239772). Invitae Evidence Modeling of protein sequence and biophysical properties (such as structural, functional, and spatial information, amino acid conservation, physicochemical variation, residue mobility, and thermodynamic stability) indicates that this missense variant is not expected to disrupt RECQL4 protein function with a negative predictive value of 80%. In summary, the available evidence is currently insufficient to determine the role of this variant in disease. Therefore, it has been classified as a Variant of Uncertain Significance.

Ambry Genetics
Classification: Uncertain significance for Inborn genetic diseases. Last evaluated: 2024-11-17. Review status: criteria provided, single submitter. Criteria: Ambry Variant Classification Scheme 2023. Collection method: clinical testing. Allele origin: germline.
Comment: The p.P127L variant (also known as c.380C>T), located in coding exon 5 of the RECQL4 gene, results from a C to T substitution at nucleotide position 380. The proline at codon 127 is replaced by leucine, an amino acid with similar properties. This amino acid position is conserved. In addition, this alteration is predicted to be tolerated by in silico analysis. Based on the available evidence, the clinical significance of this variant remains unclear.

GeneDx
Classification: Uncertain significance. Last evaluated: 2024-06-25. Review status: criteria provided, single submitter. Criteria: GeneDx Variant Classification Process June 2021. Collection method: clinical testing. Allele origin: germline. Affected: yes.
Comment: Has not been previously published as pathogenic or benign to our knowledge; In silico analysis does not support a benign or deleterious effect of this variant on protein structure/function

PreventionGenetics, part of Exact Sciences
Classification: Uncertain significance for RECQL4-related condition. Last evaluated: 2022-09-26. Review status: criteria provided, single submitter. Criteria: ACMG Guidelines, 2015. Collection method: clinical testing. Allele origin: germline.
Comment: The RECQL4 c.380C>T variant is predicted to result in the amino acid substitution p.Pro127Leu. To our knowledge, this variant has not been reported in the literature. This variant is reported in 0.047% of alleles in individuals of African descent in gnomAD and is interpreted as uncertain significance in ClinVar. At this time, the clinical significance of this variant is uncertain due to the absence of conclusive functional and genetic evidence.

NM_004260.4(RECQL4):c.380C>T (p.Pro127Leu)

Gene: RECQL4 (RecQ like helicase 4; minus strand). Cytogenetic location: 8q24.3.
Variant type: single nucleotide variant.
Coding change: c.380C>T on transcript NM_004260.4 (MANE Select); coding-DNA position 380, C replaced by T.
Protein change: p.Pro127Leu; replaces proline 127 with leucine.
Molecular consequence: missense variant.
Genome position (GRCh38, 1-based): chr8:144,516,739, G>A on the plus strand (C>T on the coding strand, the complement: RECQL4 is on the minus strand). VCF-style: chr8-144516739-G-A. GRCh37 (hg19) VCF-style: chr8-145742123-G-A.
Other names: short protein forms P127L.
Identifiers: ClinVar variation 239772 (VCV000239772.13), dbSNP rs550470182, ClinGen allele CA4949311.